The following is an entry in ClinVar:

NM_022124.6(CDH23):c.1516T>C (p.Phe506Leu)

Gene: CDH23 (cadherin related 23; plus strand). Cytogenetic location: 10q22.1.
Variant type: single nucleotide variant.
Coding change: c.1516T>C on transcript NM_022124.6 (MANE Select); coding-DNA position 1516, T replaced by C.
Protein change: p.Phe506Leu; replaces phenylalanine 506 with leucine.
Molecular consequence: missense variant.
Genome position (GRCh38, 1-based): chr10:71,677,457, T>C. VCF-style: chr10-71677457-T-C. GRCh37 (hg19) VCF-style: chr10-73437214-T-C.
Other names: c.1516T>C, p.Phe506Leu (NM_001171930.2, NM_001171931.2); short protein forms F506L.
Identifiers: ClinVar variation 1021195 (VCV001021195.9), dbSNP rs1864419966, ClinGen allele CA377129942.

ClinVar aggregate classification (germline): Uncertain significance. Review status: criteria provided, single submitter (1 of 4 stars). 2 submissions from 2 submitters: Uncertain significance (1). 1 of the submissions does not count toward it. Last evaluated 2022-09-06.

Conditions:
Usher syndrome type 1 (USH1). Also called: RETINITIS PIGMENTOSA AND CONGENITAL DEAFNESS. Identifiers: Orphanet 231169, Orphanet 886, MedGen C1568247, MONDO:0010168, OMIM 276900.

Allele frequency attached by ClinVar (database versions not stated): gnomAD 0.00001.
gnomAD v4.1: 1 of 1,603,038 alleles (0.000062%); highest among the groups gnomAD compares: African/African-American, 0.0013%; no homozygotes.

Submissions (2):

Labcorp Genetics (formerly Invitae), Labcorp
Classification: Uncertain significance. Last evaluated: 2022-09-06. Review status: criteria provided, single submitter. Criteria: Invitae Variant Classification Sherloc (09022015). Collection method: clinical testing. Allele origin: germline.
Comment: In summary, the available evidence is currently insufficient to determine the role of this variant in disease. Therefore, it has been classified as a Variant of Uncertain Significance. This sequence change replaces phenylalanine, which is neutral and non-polar, with leucine, which is neutral and non-polar, at codon 506 of the CDH23 protein (p.Phe506Leu). This variant is not present in population databases (gnomAD no frequency). This variant has not been reported in the literature in individuals affected with CDH23-related conditions. ClinVar contains an entry for this variant (Variation ID: 1021195). Algorithms developed to predict the effect of missense changes on protein structure and function are either unavailable or do not agree on the potential impact of this missense change (SIFT: "Deleterious"; PolyPhen-2: "Not Available"; Align-GVGD: "Class C0").

Natera, Inc.
Classification: Uncertain significance for Usher syndrome type 1. Last evaluated: 2020-08-19. Review status: no assertion criteria provided. Collection method: clinical testing. Allele origin: germline. Not counted in ClinVar's aggregate classification.